The following is an entry in ClinVar:

ClinVar aggregate classification (germline): Uncertain significance (1 of 4 stars; one submission).

Allele frequency attached by ClinVar (database versions not stated): gnomAD exomes below 0.00001 and 0.00001; gnomAD 0.00001.

Submission:

Labcorp Genetics (formerly Invitae), Labcorp
Classification: Uncertain significance. Last evaluated: 2020-11-24. Review status: criteria provided, single submitter. Criteria: Invitae Variant Classification Sherloc (09022015). Collection method: clinical testing. Allele origin: germline.
Comment: This variant has not been reported in the literature in individuals with CCNF-related conditions. This variant is not present in population databases (ExAC no frequency). This sequence change replaces tyrosine with cysteine at codon 110 of the CCNF protein (p.Tyr110Cys). The tyrosine residue is highly conserved and there is a large physicochemical difference between tyrosine and cysteine. Algorithms developed to predict the effect of missense changes on protein structure and function (SIFT, PolyPhen-2, Align-GVGD) all suggest that this variant is likely to be disruptive, but these predictions have not been confirmed by published functional studies and their clinical significance is uncertain. In summary, the available evidence is currently insufficient to determine the role of this variant in disease. Therefore, it has been classified as a Variant of Uncertain Significance.

NM_001761.3(CCNF):c.329A>G (p.Tyr110Cys)

Gene: CCNF (cyclin F; plus strand). Cytogenetic location: 16p13.3.
Variant type: single nucleotide variant.
Coding change: c.329A>G on transcript NM_001761.3 (MANE Select); coding-DNA position 329, A replaced by G.
Protein change: p.Tyr110Cys; replaces tyrosine 110 with cysteine.
Molecular consequence: missense variant. On other transcripts: 5 prime UTR variant (1).
Genome position (GRCh38, 1-based): chr16:2,435,856, A>G. VCF-style: chr16-2435856-A-G. GRCh37 (hg19) VCF-style: chr16-2485857-A-G.
Other names: c.-596A>G (NM_001323538.2); short protein forms Y110C.
Identifiers: ClinVar variation 1393880 (VCV001393880.6), dbSNP rs200331327, ClinGen allele CA276808282.